The following is an entry in ClinVar:

ClinVar aggregate classification (germline): Uncertain significance (1 of 4 stars; one submission).

Submission:

Labcorp Genetics (formerly Invitae), Labcorp
Classification: Uncertain significance. Last evaluated: 2024-08-28. Review status: criteria provided, single submitter. Criteria: Invitae Variant Classification Sherloc (09022015). Collection method: clinical testing. Allele origin: germline.
Comment: This variant, c.1150_1152del, results in the deletion of 1 amino acid(s) of the MMP9 protein (p.Lys384del), but otherwise preserves the integrity of the reading frame. This variant is not present in population databases (gnomAD no frequency). This variant has not been reported in the literature in individuals affected with MMP9-related conditions. Experimental studies and prediction algorithms are not available or were not evaluated, and the functional significance of this variant is currently unknown. In summary, the available evidence is currently insufficient to determine the role of this variant in disease. Therefore, it has been classified as a Variant of Uncertain Significance.

NM_004994.3(MMP9):c.1147AAG[1] (p.Lys384del)

Gene: MMP9 (matrix metallopeptidase 9; plus strand). Cytogenetic location: 20q13.12.
Variant type: Microsatellite.
Coding change: c.1147AAG[1] on transcript NM_004994.3 (MANE Select); one copy of the 3-base unit AAG starting at c.1147; the reference has two copies in a row; one copy, 3 bases deleted.
Protein change: p.Lys384del; deletes lysine 384.
Molecular consequence: inframe deletion.
Genome position (GRCh38, 1-based): chr20:46,012,289-46,012,291, AAG deleted; deleting any 3 consecutive bases within chr20:46,012,286-46,012,291 gives the same sequence; the position shown is the placement nearest the transcript's 3' end. VCF-style (leftmost placement, unchanged base first): chr20-46012285-CAAG-C. GRCh37 (hg19) VCF-style: chr20-44640924-CAAG-C.
Other names: short protein forms K384del.
Identifiers: ClinVar variation 3606552 (VCV003606552.2).